The following is an entry in ClinVar:

NM_025207.5(FLAD1):c.1119G>A (p.Gly373=)

Gene: FLAD1 (flavin adenine dinucleotide synthetase 1; plus strand). Cytogenetic location: 1q21.3.
Variant type: single nucleotide variant.
Coding change: c.1119G>A on transcript NM_025207.5 (MANE Select); coding-DNA position 1119, G replaced by A.
Protein change: p.Gly373=; no amino-acid change (glycine 373 retained).
Molecular consequence: synonymous variant.
Genome position (GRCh38, 1-based): chr1:154,989,561, G>A. VCF-style: chr1-154989561-G-A. GRCh37 (hg19) VCF-style: chr1-154962037-G-A.
Other names: p.Gly373=; c.828G>A, p.Gly276= (NM_001184891.2, NM_201398.3).
Identifiers: ClinVar variation 388747 (VCV000388747.55), dbSNP rs142224458, ClinGen allele CA1134488.

ClinVar aggregate classification (germline): Conflicting classifications of pathogenicity. Review status: criteria provided, conflicting classifications (1 of 4 stars). 5 submissions from 5 submitters: Uncertain significance (1); Benign (1); Likely benign (3). Last evaluated 2026-01-15.

Allele frequency attached by ClinVar (database versions not stated): 1000 Genomes Project 30x 0.00031; 1000 Genomes Project 0.00040; gnomAD exomes 0.00044; ExAC 0.00047; gnomAD 0.00083; TOPMed 0.00106; ESP Exome Variant Server 0.00108.
gnomAD v4.1: 481 of 1,570,388 alleles (0.031%); highest among the groups gnomAD compares: African/African-American, 0.33%; 1 homozygote.

Submissions (5):

Labcorp Genetics (formerly Invitae), Labcorp
Classification: Benign. Last evaluated: 2026-01-15. Review status: criteria provided, single submitter. Criteria: Invitae Variant Classification Sherloc (09022015). Collection method: clinical testing. Allele origin: germline.

Mayo Clinic Laboratories, Mayo Clinic
Classification: Likely benign. Last evaluated: 2025-04-14. Review status: criteria provided, single submitter. Criteria: ACMG Guidelines, 2015. Collection method: clinical testing. Allele origin: germline. Observed: 1 variant allele.
Comment: BS1, BP4, BP7

Blueprint Genetics
Classification: Likely benign. Last evaluated: 2024-03-01. Review status: criteria provided, single submitter. Criteria: ACMG Guidelines, 2015. Collection method: clinical testing. Allele origin: germline.

GeneDx
Classification: Likely benign. Last evaluated: 2019-06-28. Review status: criteria provided, single submitter. Criteria: GeneDx Variant Classification Process June 2021. Collection method: clinical testing. Allele origin: germline. Affected: yes.

CeGaT Center for Human Genetics Tuebingen
Classification: Uncertain significance. Last evaluated: 2018-11-01. Review status: criteria provided, single submitter. Criteria: CeGaT Center For Human Genetics Tuebingen Variant Classification Criteria Version 2. Collection method: clinical testing. Allele origin: germline. Affected: yes. Observed: 1 variant allele.